The following is an entry in ClinVar:

ClinVar aggregate classification (germline): Uncertain significance (1 of 4 stars; one submission).

Conditions:
Hereditary sensory and autonomic neuropathy type 1 (HSAN1). Also called: HSAN 1; Hereditary Sensory Neuropathy Type I; HSN Type I. Identifiers: Orphanet 36386, MedGen C0020071, MONDO:0018213.

Allele frequency attached by ClinVar (database versions not stated): gnomAD 0.00001; TOPMed below 0.00001.
gnomAD v4.1: 2 of 1,613,378 alleles (0.00012%); highest among the groups gnomAD compares: Non-Finnish European, 0.00017%; no homozygotes.

Submission:

Labcorp Genetics (formerly Invitae), Labcorp
Classification: Uncertain significance for Hereditary sensory and autonomic neuropathy type 1. Last evaluated: 2017-03-12. Review status: criteria provided, single submitter. Criteria: Invitae Variant Classification Sherloc (09022015). Collection method: clinical testing. Allele origin: germline.
Comment: In summary, this variant is a novel missense change with uncertain impact on protein function. It has been classified as a Variant of Uncertain Significance. Algorithms developed to predict the effect of missense changes on protein structure and function (SIFT, PolyPhen-2, Align-GVGD) all suggest that this variant is likely to be disruptive, but these predictions have not been confirmed by published functional studies. This variant is not present in population databases (ExAC no frequency) and has not been reported in the literature in individuals with a SPTLC1-related disease. This sequence change replaces glycine with tryptophan at codon 387 of the SPTLC1 protein (p.Gly387Trp). The glycine residue is highly conserved and there is a large physicochemical difference between glycine and tryptophan.

NM_006415.4(SPTLC1):c.1159G>T (p.Gly387Trp)

Gene: SPTLC1 (serine palmitoyltransferase long chain base subunit 1; minus strand). Cytogenetic location: 9q22.31.
Variant type: single nucleotide variant.
Coding change: c.1159G>T on transcript NM_006415.4 (MANE Select); coding-DNA position 1159, G replaced by T.
Protein change: p.Gly387Trp; replaces glycine 387 with tryptophan.
Molecular consequence: missense variant.
Genome position (GRCh38, 1-based): chr9:92,038,343, C>A on the plus strand (G>T on the coding strand, the complement: SPTLC1 is on the minus strand). VCF-style: chr9-92038343-C-A. GRCh37 (hg19) VCF-style: chr9-94800625-C-A.
Other names: c.1159G>T, p.Gly387Trp (NM_001281303.2); c.793G>T, p.Gly265Trp (NM_001368272.1); c.694G>T, p.Gly232Trp (NM_001368273.1); short protein forms G387W, G232W, G265W.
Identifiers: ClinVar variation 456602 (VCV000456602.8), dbSNP rs1298409243, ClinGen allele CA373790851.
Genomic context (GRCh38, chr9:92,038,343, plus strand): 5'-GCTCGCGAGACCCAGTGCTCTCTTCCAGTTGTAGGTGAAAGGCTGGAGAAAGGGACTCCC[C>A]CACCACTTTTAATCCAGAAATGCTGAAGAAGGGAAACACACACACAGCTGTAAGTCCCTT-3'
Protein context (NP_006406.1, residues 377-397): LQGISGLKVV[Gly387Trp]ESLSPAFHLQ